The following is an entry in ClinVar:

ClinVar aggregate classification (germline): Pathogenic/Likely pathogenic. Review status: criteria provided, multiple submitters, no conflicts (2 of 4 stars). 3 submissions from 3 submitters: Pathogenic (2); Likely pathogenic (1). Last evaluated 2024-08-29.

Conditions:
Progressive peripheral neuropathy. Identifiers: MedGen C1859178, HP:0007133.
Progressive gait ataxia. Identifiers: MedGen C1843885, HP:0007240.
Charcot-Marie-Tooth disease type 4. Also called: Charcot-Marie-Tooth disease, type IV; Charcot-Marie-Tooth, Type 4. Identifiers: Orphanet 64749, MedGen C4082197, MONDO:0018995.
Charcot-Marie-Tooth disease type 4F. Also called: Charcot-Marie-Tooth disease, demyelinating, type 4F. Identifiers: Orphanet 99952, MedGen C3540453, MONDO:0013959, OMIM 614895.

Allele frequency attached by ClinVar (database versions not stated): gnomAD exomes below 0.00001; TOPMed 0.00001.
gnomAD v4.1: 2 of 1,608,640 alleles (0.00012%); highest among the groups gnomAD compares: Non-Finnish European, 0.00017%; no homozygotes.

Submissions (3):

Mendelics
Classification: Pathogenic for Charcot-Marie-Tooth disease type 4F. Last evaluated: 2024-08-29. Review status: criteria provided, single submitter. Criteria: Mendelics Assertion Criteria 2017. Collection method: clinical testing. Allele origin: unknown.

Labcorp Genetics (formerly Invitae), Labcorp
Classification: Pathogenic for Charcot-Marie-Tooth disease type 4. Last evaluated: 2022-06-13. Review status: criteria provided, single submitter. Criteria: Invitae Variant Classification Sherloc (09022015). Collection method: clinical testing. Allele origin: germline.
Comment: This variant disrupts a region of the PRX protein in which other variant(s) (p.Gln1169*) have been determined to be pathogenic (Invitae). This suggests that this is a clinically significant region of the protein, and that variants that disrupt it are likely to be disease-causing. For these reasons, this variant has been classified as Pathogenic. This sequence change creates a premature translational stop signal (p.Lys1127*) in the PRX gene. While this is not anticipated to result in nonsense mediated decay, it is expected to disrupt the last 335 amino acid(s) of the PRX protein. This variant is not present in population databases (gnomAD no frequency). This variant has not been reported in the literature in individuals affected with PRX-related conditions. ClinVar contains an entry for this variant (Variation ID: 803559).

Laboratorio de Genetica e Diagnostico Molecular, Hospital Israelita Albert Einstein
Classification: Likely pathogenic for Progressive peripheral neuropathy; Progressive gait ataxia. Last evaluated: 2021-08-19. Review status: criteria provided, single submitter. Criteria: ACMG Guidelines, 2015. Collection method: clinical testing. Allele origin: germline. Affected: yes.
Comment: ACMG classification criteria: PVS1 strong, PM2 moderate

NM_181882.3(PRX):c.3379A>T (p.Lys1127Ter)

Genes: PRX (periaxin; minus strand), PLD3 (phospholipase D family member 3; plus strand). Cytogenetic location: 19q13.2.
Variant type: single nucleotide variant.
Coding change: c.3379A>T on transcript NM_181882.3 (MANE Select); coding-DNA position 3379, A replaced by T.
Protein change: p.Lys1127Ter; replaces lysine 1127 with a stop codon.
Molecular consequence: nonsense. On other transcripts: 3 prime UTR variant (1).
Genome position (GRCh38, 1-based): chr19:40,394,973, T>A on the plus strand (A>T on the coding strand, the complement: PRX is on the minus strand). VCF-style: chr19-40394973-T-A. GRCh37 (hg19) VCF-style: chr19-40900880-T-A.
Other names: c.*3584A>T (NM_020956.2); short protein forms K1127*.
Identifiers: ClinVar variation 803559 (VCV000803559.8), dbSNP rs964195568, ClinGen allele CA308417012.